The following is an entry in ClinVar:

NM_002775.5(HTRA1):c.20C>G (p.Ala7Gly)

Gene: HTRA1 (HtrA serine peptidase 1; plus strand). Cytogenetic location: 10q26.13.
Variant type: single nucleotide variant.
Coding change: c.20C>G on transcript NM_002775.5 (MANE Select); coding-DNA position 20, C replaced by G.
Protein change: p.Ala7Gly; replaces alanine 7 with glycine.
Molecular consequence: missense variant.
Genome position (GRCh38, 1-based): chr10:122,461,672, C>G. VCF-style: chr10-122461672-C-G. GRCh37 (hg19) VCF-style: chr10-124221188-C-G.
Other names: p.Ala7Gly; short protein forms A7G.
Identifiers: ClinVar variation 2486503 (VCV002486503.4), dbSNP rs755119457, ClinGen allele CA5725783.

ClinVar aggregate classification (germline): Uncertain significance. Review status: criteria provided, multiple submitters, no conflicts (2 of 4 stars). 3 submissions from 3 submitters: Uncertain significance (3). Last evaluated 2024-02-07.

Conditions:
Inborn genetic diseases. Identifiers: MedGen C0950123, MeSH D030342.

Allele frequency attached by ClinVar (database versions not stated): gnomAD exomes 0.00001; ExAC 0.00012.
gnomAD v4.1: 4 of 1,315,824 alleles (0.0003%); highest among the groups gnomAD compares: Non-Finnish European, 0.00039%; no homozygotes.

Submissions (3):

Mayo Clinic Laboratories, Mayo Clinic
Classification: Uncertain significance. Last evaluated: 2024-02-07. Review status: criteria provided, single submitter. Criteria: ACMG Guidelines, 2015. Collection method: clinical testing. Allele origin: germline. Observed: 1 variant allele.
Comment: BP4, PM2

Athena Diagnostics
Classification: Uncertain significance. Last evaluated: 2023-03-30. Review status: criteria provided, single submitter. Criteria: Athena Diagnostics Criteria. Collection method: clinical testing. Allele origin: unknown.
Comment: Available data are insufficient to determine the clinical significance of the variant at this time. The frequency of this variant in the general population is uninformative in assessment of its pathogenicity. Computational tools predict that this variant is not damaging.

Ambry Genetics
Classification: Uncertain significance for Inborn genetic diseases. Last evaluated: 2023-02-16. Review status: criteria provided, single submitter. Criteria: Ambry Variant Classification Scheme 2023. Collection method: clinical testing. Allele origin: germline.